The following is an entry in ClinVar:

ClinVar aggregate classification (germline): Likely benign (0 of 4 stars; one submission).

Conditions:
NTRK3-related disorder. Also called: NTRK3-related condition.

Allele frequency attached by ClinVar (database versions not stated): 1000 Genomes Project 30x 0.00016; 1000 Genomes Project 0.00020; ExAC 0.00031; gnomAD 0.00033; TOPMed 0.00052.
gnomAD v4.1: 372 of 1,614,266 alleles (0.023%); highest among the groups gnomAD compares: Middle Eastern, 0.23%; 4 homozygotes.

Submission:

PreventionGenetics, part of Exact Sciences
Classification: Likely benign for NTRK3-related condition. Last evaluated: 2019-06-19. Review status: no assertion criteria provided. Collection method: clinical testing. Allele origin: germline.
Comment: This variant is classified as likely benign based on ACMG/AMP sequence variant interpretation guidelines (Richards et al. 2015 PMID: 25741868, with internal and published modifications).

NM_001012338.3(NTRK3):c.1173C>T (p.Ile391=)

Gene: NTRK3 (neurotrophic receptor tyrosine kinase 3; minus strand). Cytogenetic location: 15q25.3.
Variant type: single nucleotide variant.
Coding change: c.1173C>T on transcript NM_001012338.3 (MANE Select); coding-DNA position 1173, C replaced by T.
Protein change: p.Ile391=; no amino-acid change (isoleucine 391 retained).
Molecular consequence: synonymous variant.
Genome position (GRCh38, 1-based): chr15:88,135,132, G>A on the plus strand (C>T on the coding strand, the complement: NTRK3 is on the minus strand). VCF-style: chr15-88135132-G-A. GRCh37 (hg19) VCF-style: chr15-88678363-G-A.
Other names: c.1173C>T, p.Ile391= (NM_001007155.1, NM_001007156.3, NM_001243101.2 and 7 more transcripts); c.879C>T, p.Ile293= (NM_001320135.2).
Identifiers: ClinVar variation 3033741 (VCV003033741.2), dbSNP rs192499700, ClinGen allele CA7717027.